The following is an entry in ClinVar:

NM_014991.6(WDFY3):c.3268+10A>G

Gene: WDFY3 (WD repeat and FYVE domain containing 3; minus strand). Cytogenetic location: 4q21.23.
Variant type: single nucleotide variant.
Coding change: c.3268+10A>G on transcript NM_014991.6 (MANE Select); 10 bases into the intron after coding-DNA position 3268, A replaced by G.
Molecular consequence: intron variant.
Genome position (GRCh38, 1-based): chr4:84,794,869, T>C on the plus strand (A>G on the coding strand, the complement: WDFY3 is on the minus strand). VCF-style: chr4-84794869-T-C. GRCh37 (hg19) VCF-style: chr4-85716022-T-C.
Identifiers: ClinVar variation 3034767 (VCV003034767.2), dbSNP rs1470268805, ClinGen allele CA799336081.

ClinVar aggregate classification (germline): Likely benign (0 of 4 stars; one submission).

Conditions:
WDFY3-related disorder.

Allele frequency attached by ClinVar (database versions not stated): TOPMed below 0.00001.

Submission:

PreventionGenetics, part of Exact Sciences
Classification: Likely benign for WDFY3-related condition. Last evaluated: 2019-07-29. Review status: no assertion criteria provided. Collection method: clinical testing. Allele origin: germline.
Comment: This variant is classified as likely benign based on ACMG/AMP sequence variant interpretation guidelines (Richards et al. 2015 PMID: 25741868, with internal and published modifications).